The following is an entry in ClinVar:

ClinVar aggregate classification (germline): Uncertain significance (1 of 4 stars; one submission).

Conditions:
Hereditary cancer-predisposing syndrome. Also called: Neoplastic Syndromes, Hereditary; Tumor predisposition; Hereditary Cancer Syndrome; Hereditary neoplastic syndrome. Identifiers: Orphanet 140162, MedGen C0027672, MeSH D009386, MONDO:0015356.

Submission:

Ambry Genetics
Classification: Uncertain significance for Hereditary cancer-predisposing syndrome. Last evaluated: 2025-10-21. Review status: criteria provided, single submitter. Criteria: Ambry Variant Classification Scheme 2023. Collection method: clinical testing. Allele origin: germline.
Comment: The p.F638L variant (also known as c.1914C>G), located in coding exon 14 of the MSH3 gene, results from a C to G substitution at nucleotide position 1914. The phenylalanine at codon 638 is replaced by leucine, an amino acid with highly similar properties. This amino acid position is highly conserved in available vertebrate species. In addition, the in silico prediction for this alteration is inconclusive. Based on the available evidence, the clinical significance of this variant remains unclear.

NM_002439.5(MSH3):c.1914C>G (p.Phe638Leu)

Gene: MSH3 (mutS homolog 3; plus strand). Cytogenetic location: 5q14.1.
Variant type: single nucleotide variant.
Coding change: c.1914C>G on transcript NM_002439.5 (MANE Select); coding-DNA position 1914, C replaced by G.
Protein change: p.Phe638Leu; replaces phenylalanine 638 with leucine.
Molecular consequence: missense variant.
Genome position (GRCh38, 1-based): chr5:80,767,950, C>G. VCF-style: chr5-80767950-C-G. GRCh37 (hg19) VCF-style: chr5-80063769-C-G.
Other names: short protein forms F638L.
Identifiers: ClinVar variation 1782551 (VCV001782551.3), dbSNP rs2112884313, ClinGen allele CA360277464.